The following is an entry in ClinVar:

NM_001378964.1(CDON):c.2383G>A (p.Val795Ile)

Gene: CDON (cell adhesion associated, oncogene regulated; minus strand). Cytogenetic location: 11q24.2.
Variant type: single nucleotide variant.
Coding change: c.2383G>A on transcript NM_001378964.1 (MANE Select); coding-DNA position 2383, G replaced by A.
Protein change: p.Val795Ile; replaces valine 795 with isoleucine.
Molecular consequence: missense variant.
Genome position (GRCh38, 1-based): chr11:125,995,032, C>T on the plus strand (G>A on the coding strand, the complement: CDON is on the minus strand). VCF-style: chr11-125995032-C-T. GRCh37 (hg19) VCF-style: chr11-125864927-C-T.
Other names: c.2383G>A, p.Val795Ile (NM_001243597.3, NM_016952.6); short protein forms V795I.
Identifiers: ClinVar variation 2386666 (VCV002386666.7), dbSNP rs148081735, ClinGen allele CA6351737.

ClinVar aggregate classification (germline): Conflicting classifications of pathogenicity. Review status: criteria provided, conflicting classifications (1 of 4 stars). 3 submissions from 3 submitters: Uncertain significance (2); Likely benign (1). Last evaluated 2025-11-03.

Conditions:
Holoprosencephaly 11 (HPE11). Identifiers: Orphanet 2162, MedGen C3280215, MONDO:0013642, OMIM 614226.
Inborn genetic diseases. Identifiers: MedGen C0950123, MeSH D030342.

Allele frequency attached by ClinVar (database versions not stated): gnomAD 0.00007; TOPMed 0.00008; ExAC 0.00009; ESP Exome Variant Server 0.00015; gnomAD exomes 0.00004.
gnomAD v4.1: 71 of 1,613,856 alleles (0.0044%); highest among the groups gnomAD compares: Middle Eastern, 0.049%; 1 homozygote.

Submissions (3):

Labcorp Genetics (formerly Invitae), Labcorp
Classification: Uncertain significance for Holoprosencephaly 11. Last evaluated: 2025-11-03. Review status: criteria provided, single submitter. Criteria: Invitae Variant Classification Sherloc (09022015). Collection method: clinical testing. Allele origin: germline.
Comment: This sequence change replaces valine, which is neutral and non-polar, with isoleucine, which is neutral and non-polar, at codon 795 of the CDON protein (p.Val795Ile). This variant is present in population databases (rs148081735, gnomAD 0.02%). This variant has not been reported in the literature in individuals affected with CDON-related conditions. ClinVar contains an entry for this variant (Variation ID: 2386666). Invitae Evidence Modeling of protein sequence and biophysical properties (such as structural, functional, and spatial information, amino acid conservation, physicochemical variation, residue mobility, and thermodynamic stability) has been performed for this missense variant. However, the output from this modeling did not meet the statistical confidence thresholds required to predict the impact of this variant on CDON protein function. In summary, the available evidence is currently insufficient to determine the role of this variant in disease. Therefore, it has been classified as a Variant of Uncertain Significance.

Ambry Genetics
Classification: Likely benign for Inborn genetic diseases. Last evaluated: 2022-12-20. Review status: criteria provided, single submitter. Criteria: Ambry Variant Classification Scheme 2023. Collection method: clinical testing. Allele origin: germline.

Revvity Omics, Revvity
Classification: Uncertain significance for Holoprosencephaly 11. Last evaluated: 2019-07-30. Review status: criteria provided, single submitter. Criteria: ACMG Guidelines, 2015. Collection method: clinical testing. Allele origin: germline.